The following is an entry in ClinVar:

NM_144573.4(NEXN):c.1659+5C>T

Gene: NEXN (nexilin F-actin binding protein; plus strand). Cytogenetic location: 1p31.1.
Variant type: single nucleotide variant.
Coding change: c.1659+5C>T on transcript NM_144573.4 (MANE Select); 5 bases into the intron after coding-DNA position 1659, C replaced by T.
Molecular consequence: intron variant.
Genome position (GRCh38, 1-based): chr1:77,942,213, C>T. VCF-style: chr1-77942213-C-T. GRCh37 (hg19) VCF-style: chr1-78407898-C-T.
Other names: c.1467+5C>T (NM_001172309.2).
Identifiers: ClinVar variation 1023928 (VCV001023928.9), dbSNP rs575910839, ClinGen allele CA24691227.

ClinVar aggregate classification (germline): Uncertain significance (1 of 4 stars; one submission).

Conditions:
Dilated cardiomyopathy 1CC (CMD1CC). Identifiers: Orphanet 154, MedGen C2751084, MONDO:0013147, OMIM 613122.
Hypertrophic cardiomyopathy 20. Identifiers: MedGen C3151267, MONDO:0013477, OMIM 613876.

Allele frequency attached by ClinVar (database versions not stated): gnomAD exomes below 0.00001; TOPMed below 0.00001; gnomAD 0.00001 and 0.00002; 1000 Genomes Project 30x 0.00016; 1000 Genomes Project 0.00020.
gnomAD v4.1: 8 of 1,612,150 alleles (0.0005%); highest among the groups gnomAD compares: Non-Finnish European, 0.00068%; no homozygotes.

Submission:

Labcorp Genetics (formerly Invitae), Labcorp
Classification: Uncertain significance for Dilated cardiomyopathy 1CC; Hypertrophic cardiomyopathy 20. Last evaluated: 2026-01-12. Review status: criteria provided, single submitter. Criteria: Invitae Variant Classification Sherloc (09022015). Collection method: clinical testing. Allele origin: germline.
Comment: This sequence change falls in intron 12 of the NEXN gene. It does not directly change the encoded amino acid sequence of the NEXN protein. It affects a nucleotide within the consensus splice site. This variant is not present in population databases (gnomAD no frequency). This variant has not been reported in the literature in individuals affected with NEXN-related conditions. ClinVar contains an entry for this variant (Variation ID: 1023928). Variants that disrupt the consensus splice site are a relatively common cause of aberrant splicing (PMID: 17576681, 9536098). Algorithms developed to predict the effect of sequence changes on RNA splicing suggest that this variant is not likely to affect RNA splicing. In summary, the available evidence is currently insufficient to determine the role of this variant in disease. Therefore, it has been classified as a Variant of Uncertain Significance.

Literature cited by the submitters: PubMed 17576681; PubMed 9536098.